The following is an entry in ClinVar:

NM_015910.7(WDPCP):c.1A>C (p.Met1Leu)

Gene: WDPCP (WD repeat containing planar cell polarity effector; minus strand). Cytogenetic location: 2p15.
Variant type: single nucleotide variant.
Coding change: c.1A>C on transcript NM_015910.7 (MANE Select); coding-DNA position 1, A replaced by C.
Protein change: p.Met1Leu; changes the start codon (methionine 1).
Molecular consequence: missense variant, initiator codon variant. On other transcripts: 5 prime UTR variant (1), non-coding transcript variant (2).
Genome position (GRCh38, 1-based): chr2:63,588,271, T>G on the plus strand (A>C on the coding strand, the complement: WDPCP is on the minus strand). VCF-style: chr2-63588271-T-G. GRCh37 (hg19) VCF-style: chr2-63815405-T-G.
Other names: c.-324A>C (NM_001354044.2); c.1A>C, p.Met1Leu (NM_001354045.2); short protein forms M1L.
Identifiers: ClinVar variation 2166619 (VCV002166619.7), dbSNP rs1240153660, ClinGen allele CA347066670.

ClinVar aggregate classification (germline): Uncertain significance. Review status: criteria provided, multiple submitters, no conflicts (2 of 4 stars). 3 submissions from 3 submitters: Uncertain significance (2). 1 of the submissions does not count toward it. Last evaluated 2022-05-07.

Conditions:
Retinal dystrophy. Also called: Inherited retinal dystrophy. Identifiers: Orphanet 71862, MedGen C0854723, MeSH D058499, MONDO:0019118, HP:0000556.
Bardet-Biedl syndrome (BBS). Identifiers: Orphanet 110, MedGen C0752166, MONDO:0015229.

Allele frequency attached by ClinVar (database versions not stated): gnomAD exomes 0.00001.

Submissions (3):

Labcorp Genetics (formerly Invitae), Labcorp
Classification: Uncertain significance for Bardet-Biedl syndrome. Last evaluated: 2022-05-07. Review status: criteria provided, single submitter. Criteria: Invitae Variant Classification Sherloc (09022015). Collection method: clinical testing. Allele origin: germline.
Comment: In summary, the available evidence is currently insufficient to determine the role of this variant in disease. Therefore, it has been classified as a Variant of Uncertain Significance. Experimental studies and prediction algorithms are not available or were not evaluated, and the functional significance of this variant is currently unknown. This variant has not been reported in the literature in individuals affected with WDPCP-related conditions. This variant is not present in population databases (gnomAD no frequency). This sequence change affects the initiator methionine of the WDPCP mRNA. The next in-frame methionine is located at codon 34.

Blueprint Genetics
Classification: Uncertain significance. Last evaluated: 2021-09-03. Review status: criteria provided, single submitter. Criteria: ACMG Guidelines, 2015. Collection method: clinical testing. Allele origin: germline.

Institute of Human Genetics, Univ. Regensburg, Univ. Regensburg
Classification: Uncertain significance for Retinal dystrophy. Last evaluated: 2022-01-01. Review status: no assertion criteria provided. Criteria: ACMG Guidelines, 2015. Collection method: clinical testing. Allele origin: germline. Affected: yes. Not counted in ClinVar's aggregate classification.